The following is an entry in ClinVar:

ClinVar aggregate classification (germline): Uncertain significance (1 of 4 stars; one submission).

Submission:

GeneDx
Classification: Uncertain significance. Last evaluated: 2026-07-18. Review status: criteria provided, single submitter. Criteria: GeneDx Variant Classification Process June 2021. Collection method: clinical testing. Allele origin: germline.
Comment: Not observed at significant frequency in large population cohorts (gnomAD); In silico analysis supports that this missense variant has a deleterious effect on protein structure/function; In silico analysis suggests this variant may impact gene splicing. In the absence of RNA/functional studies, the actual effect of this sequence change is unknown.; Has not been previously published as pathogenic or benign to our knowledge

NM_001007553.3(CSDE1):c.940G>A (p.Asp314Asn)

Gene: CSDE1 (cold shock domain containing E1; minus strand). Cytogenetic location: 1p13.2.
Variant type: single nucleotide variant.
Coding change: c.940G>A on transcript NM_001007553.3 (MANE Select); coding-DNA position 940, G replaced by A.
Protein change: p.Asp314Asn; replaces aspartic acid 314 with asparagine.
Molecular consequence: missense variant.
Genome position (GRCh38, 1-based): chr1:114,732,714, C>T on the plus strand (G>A on the coding strand, the complement: CSDE1 is on the minus strand). VCF-style: chr1-114732714-C-T. GRCh37 (hg19) VCF-style: chr1-115275335-C-T.
Other names: c.985G>A, p.Asp329Asn (NM_001130523.3); c.1078G>A, p.Asp360Asn (NM_001242891.2); c.940G>A, p.Asp314Asn (NM_001242892.2); c.847G>A, p.Asp283Asn (NM_001242893.2, NM_007158.6); short protein forms D283N, D314N, D329N, D360N.
Identifiers: ClinVar variation 3368012 (VCV003368012.2).
Genomic context (GRCh38, chr1:114,732,714, plus strand): 5'-TATTGGTTGCTCGCTCTAATTTGTCACGTCGGTCTGTTGAAATATTAAACCTAACATGGT[C>T]ACCTTCCAGCAGGGTCACCTTGGATTTCGTATCTTTGTCTCCAAAGGGAAGTTCTTTAGG-3'
Protein context (NP_001007554.1, residues 304-324): TKSKVTLLEG[Asp314Asn]HVRFNISTDR